The following is an entry in ClinVar:

NM_001145860.2(POP1):c.716C>T (p.Thr239Met)

Gene: POP1 (POP1 ribonuclease P/MRP subunit; plus strand). Cytogenetic location: 8q22.2.
Variant type: single nucleotide variant.
Coding change: c.716C>T on transcript NM_001145860.2 (MANE Select); coding-DNA position 716, C replaced by T.
Protein change: p.Thr239Met; replaces threonine 239 with methionine.
Molecular consequence: missense variant.
Genome position (GRCh38, 1-based): chr8:98,130,207, C>T. VCF-style: chr8-98130207-C-T. GRCh37 (hg19) VCF-style: chr8-99142435-C-T.
Other names: c.716C>T, p.Thr239Met (NM_001145861.2, NM_015029.3); c.716C>T (NM_015029.2); short protein forms T239M.
Identifiers: ClinVar variation 1478267 (VCV001478267.9), dbSNP rs778974957, ClinGen allele CA4820381.

ClinVar aggregate classification (germline): Uncertain significance. Review status: criteria provided, multiple submitters, no conflicts (2 of 4 stars). 2 submissions from 2 submitters: Uncertain significance (2). Last evaluated 2025-09-25.

Conditions:
Inborn genetic diseases. Identifiers: MedGen C0950123, MeSH D030342.

Allele frequency attached by ClinVar (database versions not stated): ExAC 0.00001; gnomAD exomes 0.00002; TOPMed 0.00003; gnomAD 0.00004 and 0.00005.

Submissions (2):

Ambry Genetics
Classification: Uncertain significance for Inborn genetic diseases. Last evaluated: 2025-09-25. Review status: criteria provided, single submitter. Criteria: Ambry Variant Classification Scheme 2023. Collection method: clinical testing. Allele origin: germline.

Labcorp Genetics (formerly Invitae), Labcorp
Classification: Uncertain significance. Last evaluated: 2021-07-12. Review status: criteria provided, single submitter. Criteria: Invitae Variant Classification Sherloc (09022015). Collection method: clinical testing. Allele origin: germline.
Comment: In summary, the available evidence is currently insufficient to determine the role of this variant in disease. Therefore, it has been classified as a Variant of Uncertain Significance. Algorithms developed to predict the effect of missense changes on protein structure and function are either unavailable or do not agree on the potential impact of this missense change (SIFT: "Deleterious"; PolyPhen-2: "Probably Damaging"; Align-GVGD: "Class C0"). This variant has not been reported in the literature in individuals affected with POP1-related conditions. This variant is present in population databases (rs778974957, ExAC 0.002%). This sequence change replaces threonine with methionine at codon 239 of the POP1 protein (p.Thr239Met). The threonine residue is moderately conserved and there is a moderate physicochemical difference between threonine and methionine.